The following is an entry in ClinVar:

NC_000014.8:g.(?_96001427)_(96010462_?)dup

Gene: GLRX5 (glutaredoxin 5; plus strand). Cytogenetic location: 14q32.13.
Variant type: Duplication.
Identifiers: ClinVar variation 1451088 (VCV001451088.4).

ClinVar aggregate classification (germline): Uncertain significance (1 of 4 stars; one submission).

Submission:

Labcorp Genetics (formerly Invitae), Labcorp
Classification: Uncertain significance. Last evaluated: 2022-08-16. Review status: criteria provided, single submitter. Criteria: Invitae Variant Classification Sherloc (09022015). Collection method: clinical testing. Allele origin: germline.
Comment: A copy number gain of the genomic region encompassing the full coding sequence of the GLRX5 gene has been identified. The boundaries of this event are unknown as they extend beyond the assayed region for this gene and therefore may encompass additional genes. As the precise location of this event is unknown, it may be in tandem or it may be located elsewhere in the genome. This variant has not been reported in the literature in individuals affected with GLRX5-related conditions. In summary, the available evidence is currently insufficient to determine the role of this variant in disease. Therefore, it has been classified as a Variant of Uncertain Significance.